The following is an entry in ClinVar:

ClinVar aggregate classification (germline): Conflicting classifications of pathogenicity. Review status: criteria provided, conflicting classifications (1 of 4 stars). 5 submissions from 5 submitters: Uncertain significance (2); Likely benign (2). 1 of the submissions does not count toward it. Last evaluated 2026-01-28.

Conditions:
CEP104-related disorder. Also called: CEP104-related condition.
Joubert syndrome 25 (JBTS25). Identifiers: Orphanet 475, MedGen C4084842, MONDO:0014770, OMIM 616781.
Inborn genetic diseases. Identifiers: MedGen C0950123, MeSH D030342.

Allele frequency attached by ClinVar (database versions not stated): TOPMed 0.00014; ESP Exome Variant Server 0.00015; 1000 Genomes Project 30x 0.00016; ExAC 0.00016; gnomAD exomes 0.00017 and 0.00021; 1000 Genomes Project 0.00020; gnomAD 0.00020 and 0.00021.
gnomAD v4.1: 282 of 1,613,786 alleles (0.017%); highest among the groups gnomAD compares: South Asian, 0.059%; 3 homozygotes.

Submissions (5):

Labcorp Genetics (formerly Invitae), Labcorp
Classification: Likely benign for Joubert syndrome 25. Last evaluated: 2026-01-28. Review status: criteria provided, single submitter. Criteria: Invitae Variant Classification Sherloc (09022015). Collection method: clinical testing. Allele origin: germline.

Blueprint Genetics
Classification: Likely benign. Last evaluated: 2024-08-26. Review status: criteria provided, single submitter. Criteria: ACMG Guidelines, 2015. Collection method: clinical testing. Allele origin: germline.

Ambry Genetics
Classification: Uncertain significance for Inborn genetic diseases. Last evaluated: 2021-10-29. Review status: criteria provided, single submitter. Criteria: Ambry Variant Classification Scheme 2023. Collection method: clinical testing. Allele origin: germline.

Revvity Omics, Revvity
Classification: Uncertain significance. Last evaluated: 2021-08-02. Review status: criteria provided, single submitter. Criteria: ACMG Guidelines, 2015. Collection method: clinical testing. Allele origin: germline.

PreventionGenetics, part of Exact Sciences
Classification: Uncertain significance for CEP104-related condition. Last evaluated: 2023-12-04. Review status: no assertion criteria provided. Collection method: clinical testing. Allele origin: germline. Not counted in ClinVar's aggregate classification.
Comment: The CEP104 c.1820T>C variant is predicted to result in the amino acid substitution p.Ile607Thr. To our knowledge, this variant has not been reported in the literature. This variant is reported in 0.056% of alleles in individuals of South Asian descent in gnomAD. Although we suspect that this variant may be benign, at this time, the clinical significance of this variant is uncertain due to the absence of conclusive functional and genetic evidence.

NM_014704.4(CEP104):c.1820T>C (p.Ile607Thr)

Genes: CEP104 (centrosomal protein 104; minus strand), LOC126805587 (BRD4-independent group 4 enhancer GRCh37_chr1:3747165-3748364; plus strand). Cytogenetic location: 1p36.32.
Variant type: single nucleotide variant.
Coding change: c.1820T>C on transcript NM_014704.4 (MANE Select); coding-DNA position 1820, T replaced by C.
Protein change: p.Ile607Thr; replaces isoleucine 607 with threonine.
Molecular consequence: missense variant.
Genome position (GRCh38, 1-based): chr1:3,831,062, A>G on the plus strand (T>C on the coding strand, the complement: CEP104 is on the minus strand). VCF-style: chr1-3831062-A-G. GRCh37 (hg19) VCF-style: chr1-3747626-A-G.
Other names: short protein forms I607T.
Identifiers: ClinVar variation 719815 (VCV000719815.16), dbSNP rs140512094, ClinGen allele CA551522.